The following is an entry in ClinVar:

NM_001379291.1(BRD4):c.599C>G (p.Thr200Ser)

Gene: BRD4 (bromodomain containing 4; minus strand). Cytogenetic location: 19p13.12.
Variant type: single nucleotide variant.
Coding change: c.599C>G on transcript NM_001379291.1 (MANE Select); coding-DNA position 599, C replaced by G.
Protein change: p.Thr200Ser; replaces threonine 200 with serine.
Molecular consequence: missense variant.
Genome position (GRCh38, 1-based): chr19:15,265,604, G>C on the plus strand (C>G on the coding strand, the complement: BRD4 is on the minus strand). VCF-style: chr19-15265604-G-C. GRCh37 (hg19) VCF-style: chr19-15376415-G-C.
Other names: c.599C>G, p.Thr200Ser (NM_001330384.2, NM_001379292.1, NM_014299.3 and 1 more transcripts); short protein forms T200S.
Identifiers: ClinVar variation 3602799 (VCV003602799.1).

ClinVar aggregate classification (germline): Uncertain significance (1 of 4 stars; one submission).

Submission:

GeneDx
Classification: Uncertain significance. Last evaluated: 2024-08-06. Review status: criteria provided, single submitter. Criteria: GeneDx Variant Classification Process June 2021. Collection method: clinical testing. Allele origin: germline. Affected: yes.
Comment: Not observed at significant frequency in large population cohorts (gnomAD); In silico analysis indicates that this missense variant does not alter protein structure/function; Has not been previously published as pathogenic or benign to our knowledge